The following is an entry in ClinVar:

ClinVar aggregate classification (germline): Conflicting classifications of pathogenicity. Review status: criteria provided, conflicting classifications (1 of 4 stars). 7 submissions from 7 submitters: Uncertain significance (6); Likely benign (1). Last evaluated 2026-01-25.

Conditions:
Familial thoracic aortic aneurysm and aortic dissection (TAAD). Also called: Thoracic aortic aneurysms and dissections. Identifiers: Orphanet 91387, MedGen C4707243, MONDO:0019625.
Weill-Marchesani syndrome 2, dominant. Also called: Weill-Marchesani Syndrome, Autosomal Dominant; FBN1-Related Weill-Marchesani Syndrome. Identifiers: Orphanet 2084, MedGen C1869115, MONDO:0012013, OMIM 608328.
Progeroid and marfanoid aspect-lipodystrophy syndrome. Also called: Marfan lipodystrophy syndrome; MARFANOID-PROGEROID SYNDROME; MARFAN-PROGEROID-LIPODYSTROPHY SYNDROME; MARFANOID-PROGEROID-LIPODYSTROPHY SYNDROME. Identifiers: Orphanet 300382, MedGen C4310796, MONDO:0014831, OMIM 616914.
Stiff skin syndrome (SSKS). Identifiers: Orphanet 2833, MedGen C1861456, MONDO:0008492, OMIM 184900.
Acromicric dysplasia (ACMICD). Also called: Acromicric skeletal dysplasia. Identifiers: Orphanet 969, MedGen C0265287, MONDO:0007055, OMIM 102370.
Geleophysic dysplasia 2 (GPHYSD2). Identifiers: Orphanet 2623, MedGen C3280054, MONDO:0013612, OMIM 614185.
Ectopia lentis 1, isolated, autosomal dominant (ECTOL1). Identifiers: Orphanet 1885, MedGen C3541518, MONDO:0007514, OMIM 129600.
Marfan syndrome (MFS). Also called: FBN1-Related Marfan Syndrome; Marfan syndrome type 1; Marfan's syndrome; Marfan syndrome, classic; MARFAN SYNDROME, TYPE I. Identifiers: Orphanet 284963, Orphanet 558, MedGen C0024796, MONDO:0007947, OMIM 154700.
MASS syndrome (OCTD). Also called: MASS PHENOTYPE; OVERLAP CONNECTIVE TISSUE DISEASE. Identifiers: MedGen C1858556, MONDO:0011431, OMIM 604308.
FBN1-related disorder. Also called: FBN1-related disorders.

gnomAD v4.1: 53 of 1,613,946 alleles (0.0033%); highest among the groups gnomAD compares: Non-Finnish European, 0.0043%; no homozygotes.

Submissions (7):

Labcorp Genetics (formerly Invitae), Labcorp
Classification: Likely benign for Marfan syndrome; Familial thoracic aortic aneurysm and aortic dissection. Last evaluated: 2026-01-25. Review status: criteria provided, single submitter. Criteria: Invitae Variant Classification Sherloc (09022015). Collection method: clinical testing. Allele origin: germline.

Ambry Genetics
Classification: Uncertain significance for Familial thoracic aortic aneurysm and aortic dissection. Last evaluated: 2025-10-22. Review status: criteria provided, single submitter. Criteria: Ambry Variant Classification Scheme 2023. Collection method: clinical testing. Allele origin: germline.
Comment: The p.Q2296H variant (also known as c.6888G>T), located in coding exon 56 of the FBN1 gene, results from a G to T substitution at nucleotide position 6888. The glutamine at codon 2296 is replaced by histidine, an amino acid with highly similar properties. This amino acid position is not well conserved in available vertebrate species. In addition, this alteration is predicted to be tolerated by in silico analysis. Based on the available evidence, the clinical significance of this variant remains unclear.

Color Diagnostics, LLC DBA Color Health
Classification: Uncertain significance for Familial thoracic aortic aneurysm and aortic dissection. Last evaluated: 2025-06-11. Review status: criteria provided, single submitter. Criteria: ACMG Guidelines, 2015. Collection method: clinical testing. Allele origin: germline.
Comment: This missense variant replaces glutamine with histidine at codon 2296 of the FBN1 protein. Computational prediction suggests that this variant may not impact protein structure and function. To our knowledge, functional studies have not been reported for this variant. This variant has not been reported in individuals affected with FBN1-related disorders in the literature. This variant has been identified in 1/251298 chromosomes in the general population by the Genome Aggregation Database (gnomAD). The available evidence is insufficient to determine the role of this variant in disease conclusively. Therefore, this variant is classified as a Variant of Uncertain Significance.

All of Us Research Program, National Institutes of Health
Classification: Uncertain significance for Marfan syndrome. Last evaluated: 2024-09-23. Review status: criteria provided, single submitter. Criteria: ACMG Guidelines, 2015. Collection method: clinical testing. Allele origin: germline. Inheritance: Autosomal dominant inheritance. Observed: 7 variant alleles, 7 heterozygotes.
Comment: This missense variant replaces glutamine with histidine at codon 2296 of the FBN1 protein. Computational prediction suggests that this variant may not impact protein structure and function (internally defined REVEL score threshold <= 0.5, PMID: 27666373). To our knowledge, functional studies have not been reported for this variant. This variant has not been reported in individuals affected with cardiovascular disorders in the literature. This variant has been identified in 1/251298 chromosomes in the general population by the Genome Aggregation Database (gnomAD). The available evidence is insufficient to determine the role of this variant in disease conclusively. Therefore, this variant is classified as a Variant of Uncertain Significance.

This study involves interpretation of variants in research participants for the purpose of population health screening. Participant phenotype was not available at the time of variant classification. Additional details can be found in publication PMID: 35346344, PMCID: PMC8962531

PreventionGenetics, part of Exact Sciences
Classification: Uncertain significance for FBN1-related condition. Last evaluated: 2023-08-01. Review status: criteria provided, single submitter. Criteria: ACMG Guidelines, 2015. Collection method: clinical testing. Allele origin: germline.
Comment: The FBN1 c.6888G>T variant is predicted to result in the amino acid substitution p.Gln2296His. A study evaluating the correlation between common single nucleotide polymorphisms (SNPs) and non-syndromic aortic dissection (AD), found that the minor allele frequency of this variant was significantly higher in affected individuals with the Stanford A AD subtype compared to healthy controls, but not in the Stanford B AD subtype (reported using rs363830 SNP ID in Pan et al. 2022. PubMed ID: 35154271). This variant is reported in 0.00088% of alleles in individuals of European (Non-Finnish) descent in gnomAD. At this time, the clinical significance of this variant is uncertain due to the absence of conclusive functional and genetic evidence.

Fulgent Genetics
Classification: Uncertain significance for Acromicric dysplasia; Ectopia lentis 1, isolated, autosomal dominant; Marfan syndrome; Stiff skin syndrome; MASS syndrome; Weill-Marchesani syndrome 2, dominant; Geleophysic dysplasia 2; Progeroid and marfanoid aspect-lipodystrophy syndrome. Last evaluated: 2021-09-22. Review status: criteria provided, single submitter. Criteria: ACMG Guidelines, 2015. Collection method: clinical testing. Allele origin: unknown.

CHEO Genetics Diagnostic Laboratory, Children's Hospital of Eastern Ontario
Classification: Uncertain significance for Familial thoracic aortic aneurysm and aortic dissection. Last evaluated: 2017-09-06. Review status: criteria provided, single submitter. Criteria: ACMG Guidelines, 2015. Collection method: clinical testing. Allele origin: germline. Study: Canadian Open Genetics Repository.

NM_000138.5(FBN1):c.6888G>T (p.Gln2296His)

Gene: FBN1 (fibrillin 1; minus strand). Cytogenetic location: 15q21.1.
Variant type: single nucleotide variant.
Coding change: c.6888G>T on transcript NM_000138.5 (MANE Select); coding-DNA position 6888, G replaced by T.
Protein change: p.Gln2296His; replaces glutamine 2296 with histidine.
Molecular consequence: missense variant.
Genome position (GRCh38, 1-based): chr15:48,428,455, C>A on the plus strand (G>T on the coding strand, the complement: FBN1 is on the minus strand). VCF-style: chr15-48428455-C-A. GRCh37 (hg19) VCF-style: chr15-48720652-C-A.
Other names: short protein forms Q2296H.
Identifiers: ClinVar variation 626586 (VCV000626586.17), dbSNP rs363830, ClinGen allele CA392330885.
Genomic context (GRCh38, chr15:48,428,455, plus strand): 5'-ACAGGTGTAGCTCCCACGGGTGTTGAGGCAGCGCCCATTCTCACAGATCCCTGGCTTCGT[C>A]TGACATTCATTCTCATCTGTTTGATTTTATTGAAGGACCAAAAACAAGAAGAGTCATCTG-3'
Protein context (NP_000129.3, residues 2286-2306): GEGCVDENEC[Gln2296His]TKPGICENGR